The following is an entry in ClinVar:

ClinVar aggregate classification (germline): Uncertain significance (1 of 4 stars; one submission).

Conditions:
Left ventricular noncompaction 1 (LVNC1). Also called: LEFT VENTRICULAR NONCOMPACTION 1 WITH OR WITHOUT CONGENITAL HEART DEFECTS. Identifiers: Orphanet 54260, MedGen C1858725, MONDO:0011403, OMIM 604169.

Allele frequency attached by ClinVar (database versions not stated): TOPMed 0.00002; ExAC 0.00002; gnomAD exomes 0.00001.
gnomAD v4.1: 3 of 1,614,038 alleles (0.00019%); highest among the groups gnomAD compares: Admixed American, 0.005%; no homozygotes.

Submission:

Labcorp Genetics (formerly Invitae), Labcorp
Classification: Uncertain significance for Left ventricular noncompaction 1. Last evaluated: 2021-12-23. Review status: criteria provided, single submitter. Criteria: Invitae Variant Classification Sherloc (09022015). Collection method: clinical testing. Allele origin: germline.
Comment: In summary, the available evidence is currently insufficient to determine the role of this variant in disease. Therefore, it has been classified as a Variant of Uncertain Significance. Algorithms developed to predict the effect of missense changes on protein structure and function (SIFT, PolyPhen-2, Align-GVGD) all suggest that this variant is likely to be disruptive. This variant has not been reported in the literature in individuals affected with DTNA-related conditions. This variant is present in population databases (rs759939966, gnomAD 0.01%). This sequence change replaces arginine, which is basic and polar, with tryptophan, which is neutral and slightly polar, at codon 473 of the DTNA protein (p.Arg473Trp).

NM_001386795.1(DTNA):c.1498A>T (p.Arg500Trp)

Gene: DTNA (dystrobrevin alpha; plus strand). Cytogenetic location: 18q12.1.
Variant type: single nucleotide variant.
Coding change: c.1498A>T on transcript NM_001386795.1 (MANE Select); coding-DNA position 1498, A replaced by T.
Protein change: p.Arg500Trp; replaces arginine 500 with tryptophan.
Molecular consequence: missense variant.
Genome position (GRCh38, 1-based): chr18:34,851,894, A>T. VCF-style: chr18-34851894-A-T. GRCh37 (hg19) VCF-style: chr18-32431858-A-T.
Other names: c.1237A>T, p.Arg413Trp (NM_001198938.2, NM_001198939.2, NM_001198940.2 and 9 more transcripts); c.544A>T, p.Arg182Trp (NM_001198942.1); c.487A>T, p.Arg163Trp (NM_001198943.1); c.373A>T, p.Arg125Trp (NM_001198944.1); c.667A>T, p.Arg223Trp (NM_001198945.2); c.1327A>T, p.Arg443Trp (NM_001386754.1, NM_001386755.1, NM_001386756.1 and 4 more transcripts); c.1234A>T, p.Arg412Trp (NM_001386768.1, NM_001386769.1, NM_001386773.1 and 1 more transcripts); c.1498A>T, p.Arg500Trp (NM_001386788.1); and 7 more; short protein forms R121W, R163W, R223W, R443W, R473W, R182W, R412W, R415W.
Identifiers: ClinVar variation 2073693 (VCV002073693.4), dbSNP rs759939966, ClinGen allele CA8935736.